The following is an entry in ClinVar:

ClinVar aggregate classification (germline): Uncertain significance (1 of 4 stars; one submission).

Conditions:
Hajdu-Cheney syndrome (HJCYS). Also called: Acroosteolysis dominant type; ACROOSTEOLYSIS WITH OSTEOPOROSIS AND CHANGES IN SKULL AND MANDIBLE; SERPENTINE FIBULA-POLYCYSTIC KIDNEY SYNDROME. Identifiers: Orphanet 955, MedGen C0917715, MONDO:0007057, OMIM 102500.

gnomAD v4.1: 1 of 1,614,236 alleles (0.000062%); highest among the groups gnomAD compares: Non-Finnish European, 0.000085%; no homozygotes.

Submission:

Labcorp Genetics (formerly Invitae), Labcorp
Classification: Uncertain significance for Hajdu-Cheney syndrome. Last evaluated: 2026-01-21. Review status: criteria provided, single submitter. Criteria: Invitae Variant Classification Sherloc (09022015). Collection method: clinical testing. Allele origin: germline.
Comment: This sequence change replaces lysine, which is basic and polar, with arginine, which is basic and polar, at codon 1210 of the NOTCH2 protein (p.Lys1210Arg). This variant is not present in population databases (gnomAD no frequency). This variant has not been reported in the literature in individuals affected with NOTCH2-related conditions. Invitae Evidence Modeling of protein sequence and biophysical properties (such as structural, functional, and spatial information, amino acid conservation, physicochemical variation, residue mobility, and thermodynamic stability) indicates that this missense variant is not expected to disrupt NOTCH2 protein function with a negative predictive value of 80%. Algorithms developed to predict the effect of sequence changes on RNA splicing suggest that this variant may disrupt the consensus splice site. In summary, the available evidence is currently insufficient to determine the role of this variant in disease. Therefore, it has been classified as a Variant of Uncertain Significance.

NM_024408.4(NOTCH2):c.3629A>G (p.Lys1210Arg)

Gene: NOTCH2 (notch receptor 2; minus strand). Cytogenetic location: 1p12.
Variant type: single nucleotide variant.
Coding change: c.3629A>G on transcript NM_024408.4 (MANE Select); coding-DNA position 3629, A replaced by G.
Protein change: p.Lys1210Arg; replaces lysine 1210 with arginine.
Molecular consequence: missense variant.
Genome position (GRCh38, 1-based): chr1:119,935,498, T>C on the plus strand (A>G on the coding strand, the complement: NOTCH2 is on the minus strand). VCF-style: chr1-119935498-T-C. GRCh37 (hg19) VCF-style: chr1-120478121-T-C.
Other names: c.3629A>G, p.Lys1210Arg (NM_001200001.2); short protein forms K1210R.
Identifiers: ClinVar variation 4739895 (VCV004739895.1).